The following is an entry in ClinVar:

NM_018975.4(TERF2IP):c.966G>A (p.Met322Ile)

Gene: TERF2IP (TERF2 interacting protein; plus strand). Cytogenetic location: 16q23.1.
Variant type: single nucleotide variant.
Coding change: c.966G>A on transcript NM_018975.4 (MANE Select); coding-DNA position 966, G replaced by A.
Protein change: p.Met322Ile; replaces methionine 322 with isoleucine.
Molecular consequence: missense variant. On other transcripts: non-coding transcript variant (1).
Genome position (GRCh38, 1-based): chr16:75,656,377, G>A. VCF-style: chr16-75656377-G-A. GRCh37 (hg19) VCF-style: chr16-75690275-G-A.
Other names: short protein forms M322I.
Identifiers: ClinVar variation 1767734 (VCV001767734.2), dbSNP rs1255238990, ClinGen allele CA396819971.

ClinVar aggregate classification (germline): Uncertain significance (1 of 4 stars; one submission).

Allele frequency attached by ClinVar (database versions not stated): gnomAD exomes below 0.00001.
gnomAD v4.1: 1 of 1,614,180 alleles (0.000062%); highest among the groups gnomAD compares: Non-Finnish European, 0.000085%; no homozygotes.

Submission:

Ambry Genetics
Classification: Uncertain significance. Last evaluated: 2022-06-02. Review status: criteria provided, single submitter. Criteria: Ambry Variant Classification Scheme 2023. Collection method: clinical testing. Allele origin: germline.
Comment: The p.M322I variant (also known as c.966G>A), located in coding exon 3 of the TERF2IP gene, results from a G to A substitution at nucleotide position 966. The methionine at codon 322 is replaced by isoleucine, an amino acid with highly similar properties. This amino acid position is conserved. In addition, the in silico prediction for this alteration is inconclusive. Since supporting evidence is limited at this time, the clinical significance of this alteration remains unclear.